The following is an entry in ClinVar:

ClinVar aggregate classification (germline): Uncertain significance. Review status: criteria provided, multiple submitters, no conflicts (2 of 4 stars). 2 submissions from 2 submitters: Uncertain significance (2). Last evaluated 2025-04-27.

Conditions:
Cone-rod dystrophy 6 (CORD6). Also called: RETINAL CONE DYSTROPHY 2; Cone dystrophy progressive. Identifiers: Orphanet 1872, MedGen C1866293, MONDO:0011143, OMIM 601777.
Leber congenital amaurosis 1 (LCA1). Also called: Congenital absence of the rods and cones; Leber's congenital tapetoretinal degeneration; Leber's congenital tapetoretinal dysplasia; RETINAL BLINDNESS, CONGENITAL; AMAUROSIS CONGENITA OF LEBER I. Identifiers: Orphanet 65, MedGen C2931258, MONDO:0008764, OMIM 204000.

Allele frequency attached by ClinVar (database versions not stated): gnomAD exomes 0.00001.
gnomAD v4.1: 7 of 1,600,278 alleles (0.00044%); highest among the groups gnomAD compares: Non-Finnish European, 0.00059%; no homozygotes.

Submissions (2):

Labcorp Genetics (formerly Invitae), Labcorp
Classification: Uncertain significance for Leber congenital amaurosis 1; Cone-rod dystrophy 6. Last evaluated: 2025-04-27. Review status: criteria provided, single submitter. Criteria: Invitae Variant Classification Sherloc (09022015). Collection method: clinical testing. Allele origin: germline.
Comment: This sequence change replaces leucine, which is neutral and non-polar, with histidine, which is basic and polar, at codon 346 of the GUCY2D protein (p.Leu346His). This variant is present in population databases (no rsID available, gnomAD 0.003%). This variant has not been reported in the literature in individuals affected with GUCY2D-related conditions. ClinVar contains an entry for this variant (Variation ID: 1019827). Invitae Evidence Modeling of protein sequence and biophysical properties (such as structural, functional, and spatial information, amino acid conservation, physicochemical variation, residue mobility, and thermodynamic stability) has been performed for this missense variant. However, the output from this modeling did not meet the statistical confidence thresholds required to predict the impact of this variant on GUCY2D protein function. In summary, the available evidence is currently insufficient to determine the role of this variant in disease. Therefore, it has been classified as a Variant of Uncertain Significance.

Blueprint Genetics
Classification: Uncertain significance. Last evaluated: 2022-10-26. Review status: criteria provided, single submitter. Criteria: ACMG Guidelines, 2015. Collection method: clinical testing. Allele origin: germline.

NM_000180.4(GUCY2D):c.1037T>A (p.Leu346His)

Gene: GUCY2D (guanylate cyclase 2D, retinal; plus strand). Cytogenetic location: 17p13.1.
Variant type: single nucleotide variant.
Coding change: c.1037T>A on transcript NM_000180.4 (MANE Select); coding-DNA position 1037, T replaced by A.
Protein change: p.Leu346His; replaces leucine 346 with histidine.
Molecular consequence: missense variant.
Genome position (GRCh38, 1-based): chr17:8,006,373, T>A. VCF-style: chr17-8006373-T-A. GRCh37 (hg19) VCF-style: chr17-7909691-T-A.
Other names: short protein forms L346H.
Identifiers: ClinVar variation 1019827 (VCV001019827.9), dbSNP rs1372180006, ClinGen allele CA397947621.
Genomic context (GRCh38, chr17:8,006,373, plus strand): 5'-TGTCTGTGGGCTGTGACCCCGACCTCTGAGCCCCTACTCTCCTTCTCCAGGTCTCCCCAC[T>A]CTTTGGCACCATCTATGACGCGGTCTTCTTGCTGGCAAGGGGCGTGGCAGAAGCGCGGGC-3'
Protein context (NP_000171.1, residues 336-356): SDLNLQQVSP[Leu346His]FGTIYDAVFL